The following is an entry in ClinVar:

NM_020754.4(ARHGAP31):c.3198G>C (p.Glu1066Asp)

Gene: ARHGAP31 (Rho GTPase activating protein 31; plus strand). Cytogenetic location: 3q13.33.
Variant type: single nucleotide variant.
Coding change: c.3198G>C on transcript NM_020754.4 (MANE Select); coding-DNA position 3198, G replaced by C.
Protein change: p.Glu1066Asp; replaces glutamic acid 1066 with aspartic acid.
Molecular consequence: missense variant.
Genome position (GRCh38, 1-based): chr3:119,415,127, G>C. VCF-style: chr3-119415127-G-C. GRCh37 (hg19) VCF-style: chr3-119133974-G-C.
Other names: short protein forms E1066D.
Identifiers: ClinVar variation 1956820 (VCV001956820.5), dbSNP rs1007661799, ClinGen allele CA81698197.

ClinVar aggregate classification (germline): Uncertain significance (1 of 4 stars; one submission).

Allele frequency attached by ClinVar (database versions not stated): gnomAD exomes below 0.00001; TOPMed below 0.00001.
gnomAD v4.1: 1 of 1,614,206 alleles (0.000062%); highest among the groups gnomAD compares: Admixed American, 0.0017%; no homozygotes.

Submission:

Labcorp Genetics (formerly Invitae), Labcorp
Classification: Uncertain significance. Last evaluated: 2025-12-19. Review status: criteria provided, single submitter. Criteria: Invitae Variant Classification Sherloc (09022015). Collection method: clinical testing. Allele origin: germline.
Comment: This sequence change replaces glutamic acid, which is acidic and polar, with aspartic acid, which is acidic and polar, at codon 1066 of the ARHGAP31 protein (p.Glu1066Asp). This variant is not present in population databases (gnomAD no frequency). This variant has not been reported in the literature in individuals affected with ARHGAP31-related conditions. ClinVar contains an entry for this variant (Variation ID: 1956820). An algorithm developed to predict the effect of missense changes on protein structure and function outputs the following: PolyPhen-2: "Benign". The aspartic acid amino acid residue is found in multiple mammalian species, which suggests that this missense change does not adversely affect protein function. In summary, the available evidence is currently insufficient to determine the role of this variant in disease. Therefore, it has been classified as a Variant of Uncertain Significance.